The following is an entry in ClinVar:

ClinVar aggregate classification (germline): Pathogenic (1 of 4 stars; one submission).

Conditions:
CFTR-related disorder (CFTR-RD). Also called: CFTR-related disorders; CFTR-related condition. Identifiers: MedGen C5924204, MONDO:7770004.

Submission:

Natera, Inc.
Classification: Pathogenic for CFTR-related disorders. Last evaluated: 2025-05-21. Review status: criteria provided, single submitter. Criteria: Natera Variant Classification Schema (03/2026). Collection method: clinical testing. Allele origin: germline.
Comment: The c.461dupT variant in CFTR is a frameshift variant predicted to shift the reading frame beginning at codon 155 and leads to a stop codon 4 codons downstream. This variant is expected to result in nonsense mediated decay, truncation, or a dysfunctional protein product. This variant is rare in the general population with a frequency below the threshold expected for the associated phenotype(s). This variant has been observed in one or more individuals affected with the associated recessive disease, as either homozygous or compound heterozygous with a second variant (PMID: 39428275, 27067634). Given the available evidence, this variant is classified as Pathogenic.

Literature cited by the submitters: PubMed 39428275; PubMed 27067634.

NM_000492.4(CFTR):c.461dup (p.Ala155fs)

Gene: CFTR (CF transmembrane conductance regulator; plus strand). Cytogenetic location: 7q31.2.
Variant type: Duplication.
Coding change: c.461dup on transcript NM_000492.4 (MANE Select); coding-DNA position 461, one base duplicated (T; older notation c.461dupT).
Protein change: p.Ala155fs; shifts the reading frame from alanine 155.
Molecular consequence: frameshift variant.
Genome position (GRCh38, 1-based): chr7:117,531,086, T duplicated. VCF-style (leftmost placement, unchanged base first): chr7-117531085-A-AT. GRCh37 (hg19) VCF-style: chr7-117171139-A-AT.
Other names: c.461dupT (NM_000492.3); short protein forms A155fs.
Identifiers: ClinVar variation 4818565 (VCV004818565.1).